The following is an entry in ClinVar:

ClinVar aggregate classification (germline): Uncertain significance (1 of 4 stars; one submission).

Conditions:
TTN-related disorder. Also called: TTN-related disorders; TTN-related condition; TTN-related disease.

gnomAD v4.1: 17 of 1,613,248 alleles (0.0011%); highest among the groups gnomAD compares: East Asian, 0.036%; no homozygotes.

Submission:

PreventionGenetics, part of Exact Sciences
Classification: Uncertain significance for TTN-related condition. Last evaluated: 2026-04-07. Review status: criteria provided, single submitter. Criteria: ACMG Guidelines, 2015. Collection method: clinical testing. Allele origin: germline.
Comment: The TTN c.58615T>C variant is predicted to result in the amino acid substitution p.Cys19539Arg. To our knowledge, this variant has not been reported in the literature. This variant is reported in 0.039% of alleles in individuals of East Asian descent in gnomAD. At this time, the clinical significance of this variant is uncertain due to the absence of conclusive functional and genetic evidence.

NM_001267550.2(TTN):c.58615T>C (p.Cys19539Arg)

Genes: TTN (titin; minus strand), TTN-AS1 (TTN antisense RNA 1; plus strand). Cytogenetic location: 2q31.2.
Variant type: single nucleotide variant.
Coding change: c.58615T>C on transcript NM_001267550.2 (MANE Select); coding-DNA position 58615, T replaced by C.
Protein change: p.Cys19539Arg; replaces cysteine 19539 with arginine.
Molecular consequence: missense variant.
Genome position (GRCh38, 1-based): chr2:178,593,685, A>G on the plus strand (T>C on the coding strand, the complement: TTN is on the minus strand). VCF-style: chr2-178593685-A-G. GRCh37 (hg19) VCF-style: chr2-179458412-A-G.
Other names: c.53692T>C, p.Cys17898Arg (NM_001256850.1); c.31420T>C, p.Cys10474Arg (NM_003319.4); c.50911T>C, p.Cys16971Arg (NM_133378.4); c.31795T>C, p.Cys10599Arg (NM_133432.3); c.31996T>C, p.Cys10666Arg (NM_133437.4); short protein forms C17898R, C10666R, C10599R, C16971R, C10474R, C19539R.
Identifiers: ClinVar variation 4984834 (VCV004984834.1).